The following is an entry in ClinVar:

NM_054027.6(ANKH):c.*4351C>T

Genes: ANKH (ANKH inorganic pyrophosphate transport regulator; minus strand), OTULIN (OTU deubiquitinase with linear linkage specificity; plus strand). Cytogenetic location: 5p15.2.
Variant type: single nucleotide variant.
Coding change: c.*4351C>T on transcript NM_054027.6 (MANE Select); 4351 bases downstream of the stop codon, C replaced by T.
Molecular consequence: 3 prime UTR variant.
Genome position (GRCh38, 1-based): chr5:14,706,846, G>A on the plus strand (C>T on the coding strand, the complement: ANKH is on the minus strand). VCF-style: chr5-14706846-G-A. GRCh37 (hg19) VCF-style: chr5-14706955-G-A.
Identifiers: ClinVar variation 904542 (VCV000904542.4), dbSNP rs141209810, ClinGen allele CA114019974.

ClinVar aggregate classification (germline): Benign. Review status: criteria provided, single submitter (1 of 4 stars). 2 submissions from 1 submitter: Benign (2). Last evaluated 2018-01-13.

Conditions:
Chondrocalcinosis 2. Also called: Familial calcium pyrophosphate deposition; CALCIUM GOUT; CALCIUM PYROPHOSPHATE ARTHROPATHY. Identifiers: Orphanet 1416, MedGen C0856830, MONDO:0007319, OMIM 118600.
Craniometaphyseal dysplasia, autosomal dominant (CMDD). Identifiers: Orphanet 1522, MedGen C1852502, MONDO:0007397, OMIM 123000.

Allele frequency attached by ClinVar (database versions not stated): 1000 Genomes Project 30x 0.00031; 1000 Genomes Project 0.00040; gnomAD 0.00041 and 0.00044; TOPMed 0.00048.

Submissions (2):

Illumina Laboratory Services, Illumina
Classification: Benign for Chondrocalcinosis 2. Last evaluated: 2018-01-13. Review status: criteria provided, single submitter. Criteria: ICSL Variant Classification Criteria 13 December 2019. Collection method: clinical testing. Allele origin: germline.
Comment: This variant was observed in the ICSL laboratory as part of a predisposition screen in an ostensibly healthy population. It had not been previously curated by ICSL or reported in the Human Gene Mutation Database (HGMD: prior to June 1st, 2018), and was therefore a candidate for classification through an automated scoring system. Utilizing variant allele frequency, disease prevalence and penetrance estimates, and inheritance mode, an automated score was calculated to assess if this variant is too frequent to cause the disease. Based on the score and internal cut-off values, a variant classified as benign is not then subjected to further curation. The score for this variant resulted in a classification of benign for this disease.

Illumina Laboratory Services, Illumina
Classification: Benign for Craniometaphyseal dysplasia, autosomal dominant. Last evaluated: 2018-01-13. Review status: criteria provided, single submitter. Criteria: ICSL Variant Classification Criteria 13 December 2019. Collection method: clinical testing. Allele origin: germline.
Comment: the same text as in the submission from Illumina Laboratory Services, Illumina above.